The following is an entry in ClinVar:

ClinVar aggregate classification (germline): Conflicting classifications of pathogenicity. Review status: criteria provided, conflicting classifications (1 of 4 stars). 7 submissions from 7 submitters: Uncertain significance (3); Likely benign (3). 1 of the submissions does not count toward it. Last evaluated 2026-02-01.

Conditions:
PRKDC-related disorder. Also called: PRKDC-related condition.
Severe combined immunodeficiency due to DNA-PKcs deficiency. Also called: IMMUNODEFICIENCY 26 WITH NEUROLOGIC ABNORMALITIES; Immunodeficiency 26 with or without neurologic abnormalities. Identifiers: Orphanet 317425, MedGen C4014833, MONDO:0014423, OMIM 615966.

Allele frequency attached by ClinVar (database versions not stated): 1000 Genomes Project 0.00020; TOPMed 0.00208; gnomAD 0.00235; ESP Exome Variant Server 0.00244; gnomAD exomes 0.00340 and 0.00208; ExAC 0.00393; 1000 Genomes Project 30x 0.00031.
gnomAD v4.1: 5,179 of 1,592,820 alleles (0.33%); highest among the groups gnomAD compares: Non-Finnish European, 0.41%; 13 homozygotes.

Submissions (7):

CeGaT Center for Human Genetics Tuebingen
Classification: Likely benign. Last evaluated: 2026-02-01. Review status: criteria provided, single submitter. Criteria: CeGaT Center For Human Genetics Tuebingen Variant Classification Criteria Version 2. Collection method: clinical testing. Allele origin: germline. Affected: yes. Observed: 6 variant alleles.
Comment: PRKDC: BP4, BS2

Labcorp Genetics (formerly Invitae), Labcorp
Classification: Likely benign for Severe combined immunodeficiency due to DNA-PKcs deficiency. Last evaluated: 2026-02-01. Review status: criteria provided, single submitter. Criteria: Invitae Variant Classification Sherloc (09022015). Collection method: clinical testing. Allele origin: germline.

Blueprint Genetics
Classification: Likely benign. Last evaluated: 2024-11-26. Review status: criteria provided, single submitter. Criteria: ACMG Guidelines, 2015. Collection method: clinical testing. Allele origin: germline.

GeneDx
Classification: Uncertain significance. Last evaluated: 2020-07-09. Review status: criteria provided, single submitter. Criteria: GeneDx Variant Classification Process June 2021. Collection method: clinical testing. Allele origin: germline. Affected: yes.
Comment: Has not been previously published as pathogenic or benign to our knowledge; In silico analysis, which includes protein predictors and evolutionary conservation, supports a deleterious effect

ARUP Laboratories, Molecular Genetics and Genomics, ARUP Laboratories
Classification: Uncertain significance for Severe combined immunodeficiency due to DNA-PKcs deficiency. Last evaluated: 2019-03-24. Review status: criteria provided, single submitter. Criteria: ARUP Molecular Germline Variant Investigation Process. Collection method: clinical testing. Allele origin: germline.

Baylor Genetics
Classification: Uncertain significance for Severe combined immunodeficiency due to DNA-PKcs deficiency. Last evaluated: 2018-03-14. Review status: criteria provided, single submitter. Criteria: ACMG Guidelines, 2015. Collection method: clinical testing. Allele origin: maternal. Affected: yes.
Comment: This variant was determined to be of uncertain significance according to ACMG Guidelines, 2015 [PMID:25741868].

PreventionGenetics, part of Exact Sciences
Classification: Likely benign for PRKDC-related condition. Last evaluated: 2023-03-13. Review status: no assertion criteria provided. Collection method: clinical testing. Allele origin: germline. Not counted in ClinVar's aggregate classification.
Comment: This variant is classified as likely benign based on ACMG/AMP sequence variant interpretation guidelines (Richards et al. 2015 PMID: 25741868, with internal and published modifications).

NM_006904.7(PRKDC):c.5120T>A (p.Leu1707Gln)

Gene: PRKDC (protein kinase, DNA-activated, catalytic subunit; minus strand). Cytogenetic location: 8q11.21.
Variant type: single nucleotide variant.
Coding change: c.5120T>A on transcript NM_006904.7 (MANE Select); coding-DNA position 5120, T replaced by A.
Protein change: p.Leu1707Gln; replaces leucine 1707 with glutamine.
Molecular consequence: missense variant.
Genome position (GRCh38, 1-based): chr8:47,879,606, A>T on the plus strand (T>A on the coding strand, the complement: PRKDC is on the minus strand). VCF-style: chr8-47879606-A-T. GRCh37 (hg19) VCF-style: chr8-48792167-A-T.
Other names: c.5120T>A, p.Leu1707Gln (NM_001081640.2); short protein forms L1707Q.
Identifiers: ClinVar variation 429510 (VCV000429510.65), dbSNP rs202110076, ClinGen allele CA4740707.